The following is an entry in ClinVar:

NM_001999.4(FBN2):c.5873dup (p.Cys1959fs)

Gene: FBN2 (fibrillin 2; minus strand). Cytogenetic location: 5q23.3.
Variant type: Duplication.
Coding change: c.5873dup on transcript NM_001999.4 (MANE Select); coding-DNA position 5873, one base duplicated (T; older notation c.5873dupT).
Protein change: p.Cys1959fs; shifts the reading frame from cysteine 1959.
Molecular consequence: frameshift variant.
Genome position (GRCh38, 1-based): chr5:128,303,017, A duplicated on the plus strand (T on the coding strand, the reverse complement: FBN2 is on the minus strand). VCF-style (leftmost placement, unchanged base first): chr5-128303016-C-CA. GRCh37 (hg19) VCF-style: chr5-127638708-C-CA.
Other names: short protein forms C1959fs.
Identifiers: ClinVar variation 4730927 (VCV004730927.1).
Genomic context (GRCh38, chr5:128,303,016, plus strand): 5'-CTGAATGAAGTACTTACCCAGGCAATCATTATTATGAGTGAGTTCAAACCCTGGGTAGCA[C>CA]AGACAGTTATAGGATCCAACGGTGTTTTTACAAGTTCCATTTCCACATGGATGCCGCTCG-3'

ClinVar aggregate classification (germline): Uncertain significance (1 of 4 stars; one submission).

Conditions:
Congenital contractural arachnodactyly (CCA). Also called: Beals-Hecht syndrome; BEALS SYNDROME; Arthrogryposis, distal, type 9. Identifiers: Orphanet 115, MedGen C0220668, MONDO:0007363, OMIM 121050.

Submission:

Labcorp Genetics (formerly Invitae), Labcorp
Classification: Uncertain significance for Congenital contractural arachnodactyly. Last evaluated: 2025-11-18. Review status: criteria provided, single submitter. Criteria: Invitae Variant Classification Sherloc (09022015). Collection method: clinical testing. Allele origin: germline.
Comment: This sequence change creates a premature translational stop signal (p.Cys1959Valfs*6) in the FBN2 gene. It is expected to result in an absent or disrupted protein product. However, the current clinical and genetic evidence is not sufficient to establish whether loss-of-function variants in FBN2 cause disease. This variant is not present in population databases (gnomAD no frequency). This variant has not been reported in the literature in individuals affected with FBN2-related conditions. In summary, the available evidence is currently insufficient to determine the role of this variant in disease. Therefore, it has been classified as a Variant of Uncertain Significance.